The following is an entry in ClinVar:

ClinVar aggregate classification (germline): Uncertain significance (1 of 4 stars; one submission).

Conditions:
Neurodevelopmental disorder. Identifiers: MedGen C1535926, MeSH D065886, MONDO:0700092.

gnomAD v4.1: 1 of 1,165,535 alleles (0.000086%); highest among the groups gnomAD compares: African/African-American, 0.0019%; no homozygotes.

Submission:

Broad Center for Mendelian Genomics, Broad Institute of MIT and Harvard
Classification: Uncertain significance for Neurodevelopmental disorder. Last evaluated: 2026-03-02. Review status: criteria provided, single submitter. Criteria: ACMG Guidelines, 2015. Collection method: research. Allele origin: germline. Inheritance: X-linked inheritance.
Comment: The p.Ala1115Thr variant in MAP3K15 has not been previously reported in the literature in individuals with neurodevelopmental disorders, and was absent from large population studies. Computational prediction tools and conservation analyses do not provide strong support for or against an impact to the protein. While variants in the MAP3K15 gene have been reported in individuals with neurodevelopmental disorders, this association has not been definitively established. In summary, given the limited information about this gene-disease relationship, the significance of the p.Ala1115Thr variant is uncertain.

NM_001001671.4(MAP3K15):c.3343G>A (p.Ala1115Thr)

Gene: MAP3K15 (mitogen-activated protein kinase kinase kinase 15; minus strand). Cytogenetic location: Xp22.12.
Variant type: single nucleotide variant.
Coding change: c.3343G>A on transcript NM_001001671.4 (MANE Select); coding-DNA position 3343, G replaced by A.
Protein change: p.Ala1115Thr; replaces alanine 1115 with threonine.
Molecular consequence: missense variant.
Genome position (GRCh38, 1-based): chrX:19,371,016, C>T on the plus strand (G>A on the coding strand, the complement: MAP3K15 is on the minus strand). VCF-style: chrX-19371016-C-T. GRCh37 (hg19) VCF-style: chrX-19389134-C-T.
Other names: NM_001001671.4:c.3343G>A; short protein forms A1115T.
Identifiers: ClinVar variation 4819482 (VCV004819482.1).